The following is an entry in ClinVar:

NM_138694.4(PKHD1):c.4380del (p.Asn1460fs)

Gene: PKHD1 (PKHD1 ciliary IPT domain containing fibrocystin/polyductin; minus strand). Cytogenetic location: 6p12.2.
Variant type: Deletion.
Coding change: c.4380del on transcript NM_138694.4 (MANE Select); coding-DNA position 4380, one base deleted (C; older notation c.4380delC).
Protein change: p.Asn1460fs; shifts the reading frame from asparagine 1460.
Molecular consequence: frameshift variant.
Genome position (GRCh38, 1-based): chr6:52,025,430, G deleted on the plus strand (C on the coding strand, the reverse complement: PKHD1 is on the minus strand). VCF-style (leftmost placement, unchanged base first): chr6-52025429-CG-C. GRCh37 (hg19) VCF-style: chr6-51890227-CG-C.
Other names: c.4380del, p.Asn1460fs (NM_170724.3); short protein forms N1460fs.
Identifiers: ClinVar variation 4816664 (VCV004816664.1).

ClinVar aggregate classification (germline): Likely pathogenic (1 of 4 stars; one submission).

Conditions:
Autosomal recessive polycystic kidney disease (ARPKD). Also called: AR polycystic kidney disease. Identifiers: Orphanet 731, Orphanet 8378, MedGen C0085548, MeSH D017044, MONDO:0009889.

Submission:

Natera, Inc.
Classification: Likely pathogenic for Autosomal recessive polycystic kidney disease. Last evaluated: 2025-06-30. Review status: criteria provided, single submitter. Criteria: Natera Variant Classification Schema (03/2026). Collection method: clinical testing. Allele origin: germline.
Comment: The c.4380del variant in PKHD1 is a frameshift variant predicted to shift the reading frame beginning at codon 1460 and leads to a stop codon 9 codons downstream. This variant is expected to result in nonsense mediated decay, truncation, or a dysfunctional protein product. This variant is rare in the general population with a frequency below the threshold expected for the associated phenotype(s). Given the available evidence, this variant is classified as Likely Pathogenic.